The following is an entry in ClinVar:

ClinVar aggregate classification (germline): Uncertain significance (1 of 4 stars; one submission).

Conditions:
Cardiovascular phenotype. Identifiers: MedGen CN230736.

Submission:

Ambry Genetics
Classification: Uncertain significance for Cardiovascular phenotype. Last evaluated: 2025-02-09. Review status: criteria provided, single submitter. Criteria: Ambry Variant Classification Scheme 2023. Collection method: clinical testing. Allele origin: germline.
Comment: The p.Y292H variant (also known as c.874T>C), located in coding exon 7 of the SPRED1 gene, results from a T to C substitution at nucleotide position 874. The tyrosine at codon 292 is replaced by histidine, an amino acid with similar properties. This amino acid position is conserved. In addition, the in silico prediction for this alteration is inconclusive. Based on the available evidence, the clinical significance of this variant remains unclear.

NM_152594.3(SPRED1):c.874T>C (p.Tyr292His)

Gene: SPRED1 (sprouty related EVH1 domain containing 1; plus strand). Cytogenetic location: 15q14.
Variant type: single nucleotide variant.
Coding change: c.874T>C on transcript NM_152594.3 (MANE Select); coding-DNA position 874, T replaced by C.
Protein change: p.Tyr292His; replaces tyrosine 292 with histidine.
Molecular consequence: missense variant.
Genome position (GRCh38, 1-based): chr15:38,351,203, T>C. VCF-style: chr15-38351203-T-C. GRCh37 (hg19) VCF-style: chr15-38643404-T-C.
Other names: short protein forms Y292H.
Identifiers: ClinVar variation 3800919 (VCV003800919.1).